The following is an entry in ClinVar:

NM_015102.5(NPHP4):c.2507_2508del (p.Val836fs)

Gene: NPHP4 (nephrocystin 4; minus strand). Cytogenetic location: 1p36.31.
Variant type: Deletion.
Coding change: c.2507_2508del on transcript NM_015102.5 (MANE Select); coding-DNA positions 2507 to 2508, 2 bases deleted (TG; older notation c.2507_2508delTG).
Protein change: p.Val836fs; shifts the reading frame from valine 836.
Molecular consequence: frameshift variant. On other transcripts: non-coding transcript variant (1).
Genome position (GRCh38, 1-based): chr1:5,880,217-5,880,218, CA deleted on the plus strand (TG on the coding strand, the reverse complement: NPHP4 is on the minus strand); deleting any 2 consecutive bases within chr1:5,880,217-5,880,219 gives the same sequence; the c. name uses the placement nearest the transcript's 3' end. VCF-style (leftmost placement, unchanged base first): chr1-5880216-TCA-T. GRCh37 (hg19) VCF-style: chr1-5940276-TCA-T.
Other names: c.968_969del, p.Val323fs (NM_001291593.2); c.971_972del, p.Val324fs (NM_001291594.2); short protein forms V323fs, V836fs, V324fs.
Identifiers: ClinVar variation 3716264 (VCV003716264.2).

ClinVar aggregate classification (germline): Pathogenic (1 of 4 stars; one submission).

Conditions:
Nephronophthisis. Also called: Juvenile Nephronophthisis. Identifiers: Orphanet 655, MedGen C0687120, MONDO:0019005, HP:0000090.

Submission:

Labcorp Genetics (formerly Invitae), Labcorp
Classification: Pathogenic for Nephronophthisis. Last evaluated: 2024-06-11. Review status: criteria provided, single submitter. Criteria: Invitae Variant Classification Sherloc (09022015). Collection method: clinical testing. Allele origin: germline.
Comment: This sequence change creates a premature translational stop signal (p.Val836Glufs*4) in the NPHP4 gene. It is expected to result in an absent or disrupted protein product. Loss-of-function variants in NPHP4 are known to be pathogenic (PMID: 12205563, 23559409). This variant is not present in population databases (gnomAD no frequency). This variant has not been reported in the literature in individuals affected with NPHP4-related conditions. For these reasons, this variant has been classified as Pathogenic.

Literature cited by the submitters: PubMed 12205563; PubMed 23559409.